The following is an entry in ClinVar:

ClinVar aggregate classification (germline): Uncertain significance (1 of 4 stars; one submission).

gnomAD v4.1: 1 of 1,613,416 alleles (0.000062%); highest among the groups gnomAD compares: South Asian, 0.0011%; no homozygotes.

Submission:

Greenwood Genetic Center Diagnostic Laboratories, Greenwood Genetic Center
Classification: Uncertain significance. Last evaluated: 2024-08-15. Review status: criteria provided, single submitter. Criteria: ACMG Guidelines, 2015. Collection method: clinical testing. Allele origin: germline. Affected: yes.
Comment: PM2, BP4

NM_001759.4(CCND2):c.290A>G (p.His97Arg)

Genes: CCND2 (cyclin D2; plus strand), CCND2-AS1 (CCND2 antisense RNA 1; minus strand). Cytogenetic location: 12p13.32.
Variant type: single nucleotide variant.
Coding change: c.290A>G on transcript NM_001759.4 (MANE Select); coding-DNA position 290, A replaced by G.
Protein change: p.His97Arg; replaces histidine 97 with arginine.
Molecular consequence: missense variant. On other transcripts: non-coding transcript variant (1).
Genome position (GRCh38, 1-based): chr12:4,276,099, A>G. VCF-style: chr12-4276099-A-G. GRCh37 (hg19) VCF-style: chr12-4385265-A-G.
Other names: short protein forms H97R.
Identifiers: ClinVar variation 3765585 (VCV003765585.1).
Genomic context (GRCh38, chr12:4,276,099, plus strand): 5'-TCCCTCTGGCCATGAATTACCTGGACCGTTTCTTGGCTGGGGTCCCGACTCCGAAGTCCC[A>G]TCTGCAACTCCTGGGTGCTGTCTGCATGTTCCTGGCCTCCAAACTCAAAGAGACCAGCCC-3'
Protein context (NP_001750.1, residues 87-107): FLAGVPTPKS[His97Arg]LQLLGAVCMF